The following is an entry in ClinVar:

NM_001130987.2(DYSF):c.6324del (p.Tyr2109fs)

Gene: DYSF (dysferlin; plus strand). Cytogenetic location: 2p13.2.
Variant type: Deletion.
Coding change: c.6324del on transcript NM_001130987.2 (MANE Select); coding-DNA position 6324, one base deleted (C; older notation c.6324delC).
Protein change: p.Tyr2109fs; shifts the reading frame from tyrosine 2109.
Molecular consequence: frameshift variant.
Genome position (GRCh38, 1-based): chr2:71,686,456, C deleted. VCF-style (leftmost placement, unchanged base first): chr2-71686455-AC-A. GRCh37 (hg19) VCF-style: chr2-71913585-AC-A.
Other names: c.6210del, p.Tyr2071fs (NM_001130455.2); c.6165del, p.Tyr2056fs (NM_001130976.2); c.6228del, p.Tyr2077fs (NM_001130977.2); c.6270del, p.Tyr2091fs (NM_001130978.2); c.6300del, p.Tyr2101fs (NM_001130979.2); c.6258del, p.Tyr2087fs (NM_001130980.2); c.6321del, p.Tyr2108fs (NM_001130981.2); c.6303del, p.Tyr2102fs (NM_001130982.2); and 5 more; short protein forms Y2056fs, Y2057fs, Y2070fs, Y2071fs, Y2077fs, Y2078fs, Y2087fs, Y2088fs.
Identifiers: ClinVar variation 4067050 (VCV004067050.2).

ClinVar aggregate classification (germline): Likely pathogenic (1 of 4 stars; one submission).

Conditions:
Autosomal recessive limb-girdle muscular dystrophy type 2B (LGMDR2). Also called: MUSCULAR DYSTROPHY, LIMB-GIRDLE, TYPE 3; Limb-girdle muscular dystrophy, type 2B; MUSCULAR DYSTROPHY, LIMB-GIRDLE, AUTOSOMAL RECESSIVE 2; Limb-Girdle Muscular Dystrophy Type 2B (LGMD2B). Identifiers: Orphanet 268, MedGen C1850889, MONDO:0009676, OMIM 253601.

Submission:

Natera, Inc.
Classification: Likely pathogenic for Limb-girdle muscular dystrophy type 2B. Last evaluated: 2025-02-26. Review status: criteria provided, single submitter. Criteria: Natera Variant Classification Schema (03/2026). Collection method: clinical testing. Allele origin: germline.
Comment: The c.6207del variant in DYSF is a frameshift variant predicted to shift the reading frame beginning at codon 2070 and leads to a stop codon 4 codons downstream. This variant is expected to result in nonsense mediated decay, truncation, or a dysfunctional protein product. This variant is rare in the general population with a frequency below the threshold expected for the associated phenotype(s). Given the available evidence, this variant is classified as Likely Pathogenic.